The following is an entry in ClinVar:

ClinVar aggregate classification (germline): Uncertain significance (1 of 4 stars; one submission).

gnomAD v4.1: 6 of 1,552,458 alleles (0.00039%); highest among the groups gnomAD compares: Non-Finnish European, 0.00052%; no homozygotes.

Submission:

GeneDx
Classification: Uncertain significance. Last evaluated: 2024-06-07. Review status: criteria provided, single submitter. Criteria: GeneDx Variant Classification Process June 2021. Collection method: clinical testing. Allele origin: germline. Affected: yes.
Comment: Not observed at significant frequency in large population cohorts (gnomAD); In silico analysis indicates that this missense variant does not alter protein structure/function; Has not been previously published as pathogenic or benign to our knowledge

NM_001170629.2(CHD8):c.7220C>G (p.Pro2407Arg)

Gene: CHD8 (chromodomain helicase DNA binding protein 8; minus strand). Cytogenetic location: 14q11.2.
Variant type: single nucleotide variant.
Coding change: c.7220C>G on transcript NM_001170629.2 (MANE Select); coding-DNA position 7220, C replaced by G.
Protein change: p.Pro2407Arg; replaces proline 2407 with arginine.
Molecular consequence: missense variant.
Genome position (GRCh38, 1-based): chr14:21,386,139, G>C on the plus strand (C>G on the coding strand, the complement: CHD8 is on the minus strand). VCF-style: chr14-21386139-G-C. GRCh37 (hg19) VCF-style: chr14-21854298-G-C.
Other names: c.6383C>G, p.Pro2128Arg (NM_020920.4); short protein forms P2128R, P2407R.
Identifiers: ClinVar variation 3384524 (VCV003384524.1).